The following is an entry in ClinVar:

NM_015330.6(SPECC1L):c.2555C>G (p.Ser852Cys)

Genes: SPECC1L (sperm antigen with calponin homology and coiled-coil domains 1 like; plus strand), SPECC1L-ADORA2A (SPECC1L-ADORA2A readthrough (NMD candidate); plus strand). Cytogenetic location: 22q11.23.
Variant type: single nucleotide variant.
Coding change: c.2555C>G on transcript NM_015330.6 (MANE Select); coding-DNA position 2555, C replaced by G.
Protein change: p.Ser852Cys; replaces serine 852 with cysteine.
Molecular consequence: missense variant. On other transcripts: non-coding transcript variant (1).
Genome position (GRCh38, 1-based): chr22:24,334,568, C>G. VCF-style: chr22-24334568-C-G. GRCh37 (hg19) VCF-style: chr22-24730536-C-G.
Other names: c.2555C>G, p.Ser852Cys (NM_001145468.4, NM_001254732.3); short protein forms S852C.
Identifiers: ClinVar variation 430532 (VCV000430532.4), dbSNP rs972937290, ClinGen allele CA322657947.

ClinVar aggregate classification (germline): Uncertain significance (1 of 4 stars; one submission).

Allele frequency attached by ClinVar (database versions not stated): TOPMed 0.00002 and 0.00003; gnomAD exomes 0.00001.
gnomAD v4.1: 6 of 1,614,110 alleles (0.00037%); highest among the groups gnomAD compares: Non-Finnish European, 0.00034%; no homozygotes.

Submission:

GeneDx
Classification: Uncertain significance. Last evaluated: 2020-06-02. Review status: criteria provided, single submitter. Criteria: GeneDx Variant Classification Process June 2021. Collection method: clinical testing. Allele origin: germline. Affected: yes.
Comment: Has not been previously published as pathogenic or benign to our knowledge; In silico analysis, which includes protein predictors and evolutionary conservation, supports that this variant does not alter protein structure/function